The following is an entry in ClinVar:

NM_002691.4(POLD1):c.731A>G (p.Tyr244Cys)

Gene: POLD1 (DNA polymerase delta 1, catalytic subunit; plus strand). Cytogenetic location: 19q13.33.
Variant type: single nucleotide variant.
Coding change: c.731A>G on transcript NM_002691.4 (MANE Select); coding-DNA position 731, A replaced by G.
Protein change: p.Tyr244Cys; replaces tyrosine 244 with cysteine.
Molecular consequence: missense variant. On other transcripts: non-coding transcript variant (1).
Genome position (GRCh38, 1-based): chr19:50,402,346, A>G. VCF-style: chr19-50402346-A-G. GRCh37 (hg19) VCF-style: chr19-50905603-A-G.
Other names: c.731A>G, p.Tyr244Cys (NM_001256849.1, NM_001308632.1); short protein forms Y244C.
Identifiers: ClinVar variation 3640494 (VCV003640494.2).

ClinVar aggregate classification (germline): Uncertain significance (1 of 4 stars; one submission).

Conditions:
POLD1-related polyposis and colorectal cancer syndrome (CRCS10). Also called: Colorectal cancer 10; COLORECTAL CANCER, SUSCEPTIBILITY TO, ON CHROMOSOME 19q; Colorectal cancer, susceptibility to, 10. Identifiers: Orphanet 220460, MedGen C2675481, MONDO:0012953, OMIM 612591.

Submission:

Labcorp Genetics (formerly Invitae), Labcorp
Classification: Uncertain significance for POLD1-related polyposis and colorectal cancer syndrome. Last evaluated: 2024-07-16. Review status: criteria provided, single submitter. Criteria: Invitae Variant Classification Sherloc (09022015). Collection method: clinical testing. Allele origin: germline.
Comment: This sequence change replaces tyrosine, which is neutral and polar, with cysteine, which is neutral and slightly polar, at codon 244 of the POLD1 protein (p.Tyr244Cys). This variant is not present in population databases (gnomAD no frequency). This variant has not been reported in the literature in individuals affected with POLD1-related conditions. Advanced modeling of protein sequence and biophysical properties (such as structural, functional, and spatial information, amino acid conservation, physicochemical variation, residue mobility, and thermodynamic stability) performed at Invitae indicates that this missense variant is not expected to disrupt POLD1 protein function with a negative predictive value of 80%. In summary, the available evidence is currently insufficient to determine the role of this variant in disease. Therefore, it has been classified as a Variant of Uncertain Significance.